The following is an entry in ClinVar:

ClinVar aggregate classification (germline): Uncertain significance (1 of 4 stars; one submission).

Conditions:
Glucose-6-phosphate transport defect (GSD1B). Also called: Glycogen Storage Disease Type Ib; GSD Ib. Identifiers: Orphanet 364, Orphanet 79259, MedGen C0268146, MONDO:0009288, OMIM 232220.

Submission:

Labcorp Genetics (formerly Invitae), Labcorp
Classification: Uncertain significance for Glucose-6-phosphate transport defect. Last evaluated: 2024-05-23. Review status: criteria provided, single submitter. Criteria: Invitae Variant Classification Sherloc (09022015). Collection method: clinical testing. Allele origin: germline.
Comment: This sequence change replaces lysine, which is basic and polar, with arginine, which is basic and polar, at codon 328 of the SLC37A4 protein (p.Lys328Arg). This variant is not present in population databases (gnomAD no frequency). This variant has not been reported in the literature in individuals affected with SLC37A4-related conditions. Experimental studies and prediction algorithms are not available or were not evaluated, and the functional significance of this variant is currently unknown. Algorithms developed to predict the effect of sequence changes on RNA splicing suggest that this variant may disrupt the consensus splice site. In summary, the available evidence is currently insufficient to determine the role of this variant in disease. Therefore, it has been classified as a Variant of Uncertain Significance.

NM_001164277.2(SLC37A4):c.983A>G (p.Lys328Arg)

Gene: SLC37A4 (solute carrier family 37 member 4; minus strand). Cytogenetic location: 11q23.3.
Variant type: single nucleotide variant.
Coding change: c.983A>G on transcript NM_001164277.2 (MANE Select); coding-DNA position 983, A replaced by G.
Protein change: p.Lys328Arg; replaces lysine 328 with arginine.
Molecular consequence: missense variant.
Genome position (GRCh38, 1-based): chr11:119,025,968, T>C on the plus strand (A>G on the coding strand, the complement: SLC37A4 is on the minus strand). VCF-style: chr11-119025968-T-C. GRCh37 (hg19) VCF-style: chr11-118896678-T-C.
Other names: c.983A>G, p.Lys328Arg (NM_001164278.2, NM_001164280.2, NM_001467.6); c.764A>G, p.Lys255Arg (NM_001164279.2); short protein forms K328R, K255R.
Identifiers: ClinVar variation 3686054 (VCV003686054.2).